The following is an entry in ClinVar:

ClinVar aggregate classification (germline): Likely pathogenic. Review status: criteria provided, multiple submitters, no conflicts (2 of 4 stars). 2 submissions from 2 submitters: Likely pathogenic (2). Last evaluated 2025-01-07.

Conditions:
Anemia, nonspherocytic hemolytic, due to G6PD deficiency (CNSHA1). Also called: ANEMIA, CONGENITAL, NONSPHEROCYTIC HEMOLYTIC, 1; Hemolytic anemia due to G6PD deficiency; Class I glucose-6-phosphate dehydrogenase deficiency; Favism, susceptibility to. Identifiers: Orphanet 466026, MedGen C2720289, MONDO:0010480, OMIM 300908.

Allele frequency attached by ClinVar (database versions not stated): gnomAD exomes below 0.00001; ExAC 0.00001; TOPMed 0.00002.
gnomAD v4.1: 1 of 1,210,393 alleles (0.000083%); highest among the groups gnomAD compares: Admixed American, 0.0022%; no homozygotes.

Submissions (2):

Revvity Omics, Revvity
Classification: Likely pathogenic for Anemia, nonspherocytic hemolytic, due to G6PD deficiency. Last evaluated: 2025-01-07. Review status: criteria provided, single submitter. Criteria: ACMG Guidelines, 2015. Collection method: clinical testing. Allele origin: germline.

Dunham Lab, University of Washington
Classification: Likely pathogenic for Anemia, nonspherocytic hemolytic, due to G6PD deficiency. Last evaluated: 2022-08-12. Review status: criteria provided, single submitter. Criteria: Bayesian ACMG Guidelines, 2018. Collection method: curation. Allele origin: unknown. Affected: yes.
Comment: Decreased activity in red blood cells (less than 15%) and when expressed in E. coli (2%) (PS3). Not found in gnomAD (PM2). Post_P 0.949 (odds of pathogenicity 168.4, Prior_P 0.1).

Literature cited by the submitters: PubMed 12850494 (cited by Dunham Lab, University of Washington); PubMed 30096395 (cited by Dunham Lab, University of Washington).

NM_001360016.2(G6PD):c.1094G>A (p.Arg365His)

Gene: G6PD (glucose-6-phosphate dehydrogenase; minus strand). Cytogenetic location: Xq28.
Variant type: single nucleotide variant.
Coding change: c.1094G>A on transcript NM_001360016.2 (MANE Select); coding-DNA position 1094, G replaced by A.
Protein change: p.Arg365His; replaces arginine 365 with histidine.
Molecular consequence: missense variant.
Genome position (GRCh38, 1-based): chrX:154,532,760, C>T on the plus strand (G>A on the coding strand, the complement: G6PD is on the minus strand). VCF-style: chrX-154532760-C-T. GRCh37 (hg19) VCF-style: chrX-153760975-C-T.
Other names: G6PD Veracruz; c.1184G>A, p.Arg395His (NM_000402.4); c.1094G>A, p.Arg365His (NM_001042351.3); short protein forms R365H, R395H.
Identifiers: ClinVar variation 1722612 (VCV001722612.3), dbSNP rs781967767, ClinGen allele CA10566079.